The following is an entry in ClinVar:

NM_022168.4(IFIH1):c.1765+9G>A

Gene: IFIH1 (interferon induced with helicase C domain 1; minus strand). Cytogenetic location: 2q24.2.
Variant type: single nucleotide variant.
Coding change: c.1765+9G>A on transcript NM_022168.4 (MANE Select); 9 bases into the intron after coding-DNA position 1765, G replaced by A.
Molecular consequence: intron variant.
Genome position (GRCh38, 1-based): chr2:162,278,196, C>T on the plus strand (G>A on the coding strand, the complement: IFIH1 is on the minus strand). VCF-style: chr2-162278196-C-T. GRCh37 (hg19) VCF-style: chr2-163134706-C-T.
Other names: c.1765+9G>A (NM_022168.3).
Identifiers: ClinVar variation 1138293 (VCV001138293.10), dbSNP rs139661131, ClinGen allele CA1934415.

ClinVar aggregate classification (germline): Likely benign. Review status: criteria provided, multiple submitters, no conflicts (2 of 4 stars). 2 submissions from 2 submitters: Likely benign (2). Last evaluated 2025-12-23.

Conditions:
IFIH1-related disorder. Also called: IFIH1-related condition.
Aicardi-Goutieres syndrome 7 (AGS7). Identifiers: Orphanet 51, MedGen C3888244, MONDO:0014367, OMIM 615846.
Singleton-Merten syndrome 1 (SGMRT1). Also called: Widened medullary cavities of bone, aortic calcification, abnormal dentition, and muscular weakness; Syndrome of widened medullary cavities of the metacarpals and phalanges, aortic calcification and abnormal dentition. Identifiers: Orphanet 85191, MedGen C4225427, MONDO:0024535, OMIM 182250.

Allele frequency attached by ClinVar (database versions not stated): ExAC 0.00001; gnomAD exomes 0.00001; ESP Exome Variant Server 0.00008; 1000 Genomes Project 30x 0.00031; 1000 Genomes Project 0.00040.
gnomAD v4.1: 69 of 1,600,134 alleles (0.0043%); highest among the groups gnomAD compares: Middle Eastern, 0.019%; no homozygotes.

Submissions (2):

PreventionGenetics, part of Exact Sciences
Classification: Likely benign for IFIH1-related condition. Last evaluated: 2025-12-23. Review status: criteria provided, single submitter. Criteria: ACMG Guidelines, 2015. Collection method: clinical testing. Allele origin: germline.
Comment: This variant is classified as likely benign based on ACMG/AMP sequence variant interpretation guidelines (Richards et al. 2015 PMID: 25741868, with internal and published modifications).

Labcorp Genetics (formerly Invitae), Labcorp
Classification: Likely benign for Aicardi-Goutieres syndrome 7; Singleton-Merten syndrome 1. Last evaluated: 2024-10-22. Review status: criteria provided, single submitter. Criteria: Invitae Variant Classification Sherloc (09022015). Collection method: clinical testing. Allele origin: germline.